The following is an entry in ClinVar:

NM_001077365.2(POMT1):c.1125C>T (p.His375=)

Gene: POMT1 (protein O-mannosyltransferase 1; plus strand). Cytogenetic location: 9q34.13.
Variant type: single nucleotide variant.
Coding change: c.1125C>T on transcript NM_001077365.2 (MANE Select); coding-DNA position 1125, C replaced by T.
Protein change: p.His375=; no amino-acid change (histidine 375 retained).
Molecular consequence: synonymous variant. On other transcripts: non-coding transcript variant (10), intron variant (1).
Genome position (GRCh38, 1-based): chr9:131,513,281, C>T. VCF-style: chr9-131513281-C-T. GRCh37 (hg19) VCF-style: chr9-134388668-C-T.
Other names: p.H397H:CAC>CAT; p.His397=; c.963C>T, p.His321= (NM_001077366.2, NM_001353194.2); c.1125C>T, p.His375= (NM_001136113.2, NM_001374690.1); c.774C>T, p.His258= (NM_001136114.2, NM_001353195.2, NM_001374691.1 and 1 more transcripts); c.1191C>T, p.His397= (NM_001353193.2, NM_007171.4); c.1035C>T, p.His345= (NM_001353196.2); c.1029C>T, p.His343= (NM_001353197.2, NM_001353198.2); and 5 more.
Identifiers: ClinVar variation 130005 (VCV000130005.22), dbSNP rs35242383, ClinGen allele CA154743.

ClinVar aggregate classification (germline): Benign/Likely benign. Review status: criteria provided, multiple submitters, no conflicts (2 of 4 stars). 8 submissions from 8 submitters: Benign (5); Likely benign (2). 1 of the submissions does not count toward it. Last evaluated 2026-01-28.

Conditions:
Muscular dystrophy-dystroglycanopathy (congenital with impaired intellectual development), type B, 1. Also called: MUSCULAR DYSTROPHY, CONGENITAL, POMT1-RELATED; Muscular dystrophy-dystroglycanopathy (congenital with intellectual disability), type B1. Identifiers: MedGen C5436962, MONDO:0013159, OMIM 613155.
Autosomal recessive limb-girdle muscular dystrophy type 2K. Also called: MUSCULAR DYSTROPHY, LIMB-GIRDLE, TYPE 2K; MUSCULAR DYSTROPHY-DYSTROGLYCANOPATHY (LIMB-GIRDLE), TYPE C, 1. Identifiers: Orphanet 86812, MedGen C1836373, MONDO:0012248, OMIM 609308.
Walker-Warburg congenital muscular dystrophy. Also called: Muscular dystrophy-dystroglycanopathy, type A; Walker-Warburg syndrome. Identifiers: Orphanet 899, MedGen C0265221, MONDO:0000171.

Allele frequency attached by ClinVar (database versions not stated): gnomAD 0.01019; TOPMed 0.01031; ESP Exome Variant Server 0.01099; 1000 Genomes Project 0.01218; 1000 Genomes Project 30x 0.01280.
gnomAD v4.1: 2,839 of 1,612,992 alleles (0.18%); highest among the groups gnomAD compares: African/African-American, 3.4%; 53 homozygotes.

Submissions (8):

Labcorp Genetics (formerly Invitae), Labcorp
Classification: Benign for Muscular dystrophy-dystroglycanopathy (congenital with impaired intellectual development), type B, 1; Walker-Warburg congenital muscular dystrophy; Autosomal recessive limb-girdle muscular dystrophy type 2K. Last evaluated: 2026-01-28. Review status: criteria provided, single submitter. Criteria: Invitae Variant Classification Sherloc (09022015). Collection method: clinical testing. Allele origin: germline.

Mayo Clinic Laboratories, Mayo Clinic
Classification: Benign. Last evaluated: 2019-07-12. Review status: criteria provided, single submitter. Criteria: ACMG Guidelines, 2015. Collection method: clinical testing. Allele origin: germline. Observed: 14 variant alleles.

Illumina Laboratory Services, Illumina
Classification: Likely benign for Autosomal recessive limb-girdle muscular dystrophy type 2K. Last evaluated: 2018-01-12. Review status: criteria provided, single submitter. Criteria: ICSL Variant Classification Criteria 13 December 2019. Collection method: clinical testing. Allele origin: germline.
Comment: This variant was observed in the ICSL laboratory as part of a predisposition screen in an ostensibly healthy population. It had not been previously curated by ICSL or reported in the Human Gene Mutation Database (HGMD: prior to June 1st, 2018), and was therefore a candidate for classification through an automated scoring system. Utilizing variant allele frequency, disease prevalence and penetrance estimates, and inheritance mode, an automated score was calculated to assess if this variant is too frequent to cause the disease. Based on the score and internal cut-off values, a variant classified as likely benign is not then subjected to further curation. The score for this variant resulted in a classification of likely benign for this disease.

Athena Diagnostics
Classification: Benign. Last evaluated: 2017-05-30. Review status: criteria provided, single submitter. Criteria: Athena Diagnostics Criteria. Collection method: clinical testing. Allele origin: germline.

GeneDx
Classification: Benign. Last evaluated: 2014-07-29. Review status: criteria provided, single submitter. Criteria: GeneDx Variant Classification (06012015). Collection method: clinical testing. Allele origin: germline. Affected: yes.
Comment: This variant is considered likely benign or benign based on one or more of the following criteria: it is a conservative change, it occurs at a poorly conserved position in the protein, it is predicted to be benign by multiple in silico algorithms, and/or has population frequency not consistent with disease.

Breakthrough Genomics
Classification: Likely benign. Review status: criteria provided, single submitter. Criteria: ACMG Guidelines, 2015. Collection method: not provided. Allele origin: germline. Inheritance: Autosomal recessive inheritance. Affected: yes.

PreventionGenetics, part of Exact Sciences
Classification: Benign. Review status: criteria provided, single submitter. Criteria: ACMG Guidelines, 2015. Collection method: clinical testing. Allele origin: germline.

Genetic Services Laboratory, University of Chicago
Classification: Likely benign for AllHighlyPenetrant. Review status: no assertion criteria provided. Collection method: clinical testing. Allele origin: germline. Inheritance: Autosomal recessive inheritance. Not counted in ClinVar's aggregate classification.
Comment: Likely benign based on allele frequency in 1000 Genomes Project or ESP global frequency and its presence in a patient with a rare or unrelated disease phenotype. NOT Sanger confirmed.